The following is an entry in ClinVar:

ClinVar aggregate classification (germline): Uncertain significance (1 of 4 stars; one submission).

Allele frequency attached by ClinVar (database versions not stated): gnomAD exomes below 0.00001; TOPMed below 0.00001; gnomAD 0.00001.
gnomAD v4.1: 2 of 1,555,462 alleles (0.00013%); highest among the groups gnomAD compares: Admixed American, 0.002%; no homozygotes.

Submission:

Labcorp Genetics (formerly Invitae), Labcorp
Classification: Uncertain significance. Last evaluated: 2023-10-13. Review status: criteria provided, single submitter. Criteria: Invitae Variant Classification Sherloc (09022015). Collection method: clinical testing. Allele origin: germline.
Comment: This sequence change replaces isoleucine, which is neutral and non-polar, with valine, which is neutral and non-polar, at codon 1878 of the CPLANE1 protein (p.Ile1878Val). This variant is not present in population databases (gnomAD no frequency). This variant has not been reported in the literature in individuals affected with CPLANE1-related conditions. ClinVar contains an entry for this variant (Variation ID: 1927466). Advanced modeling of protein sequence and biophysical properties (such as structural, functional, and spatial information, amino acid conservation, physicochemical variation, residue mobility, and thermodynamic stability) performed at Invitae indicates that this missense variant is not expected to disrupt CPLANE1 protein function. In summary, the available evidence is currently insufficient to determine the role of this variant in disease. Therefore, it has been classified as a Variant of Uncertain Significance.

NM_001384732.1(CPLANE1):c.5632A>G (p.Ile1878Val)

Gene: CPLANE1 (ciliogenesis and planar polarity effector complex subunit 1; minus strand). Cytogenetic location: 5p13.2.
Variant type: single nucleotide variant.
Coding change: c.5632A>G on transcript NM_001384732.1 (MANE Select); coding-DNA position 5632, A replaced by G.
Protein change: p.Ile1878Val; replaces isoleucine 1878 with valine.
Molecular consequence: missense variant.
Genome position (GRCh38, 1-based): chr5:37,180,122, T>C on the plus strand (A>G on the coding strand, the complement: CPLANE1 is on the minus strand). VCF-style: chr5-37180122-T-C. GRCh37 (hg19) VCF-style: chr5-37180224-T-C.
Other names: c.5632A>G, p.Ile1878Val (NM_023073.4); short protein forms I1878V.
Identifiers: ClinVar variation 1927466 (VCV001927466.4), dbSNP rs1782255914, ClinGen allele CA359490176.
Genomic context (GRCh38, chr5:37,180,122, plus strand): 5'-CTTCTACTTCTAAAAGATTCTCATCAATATCTATAAATTCTTTTTTAGTATTATGAGTGA[T>C]GGAAATAATATCATCATTGATTTCTTTTATATCAGGATTTTTTGCTTCAGTTGGCATTCT-3'
Protein context (NP_001371661.1, residues 1868-1888): IKEINDDIIS[Ile1878Val]THNTKKEFID